The following is an entry in ClinVar:

NM_015662.3(IFT172):c.972C>A (p.Asn324Lys)

Gene: IFT172 (intraflagellar transport 172; minus strand). Cytogenetic location: 2p23.3.
Variant type: single nucleotide variant.
Coding change: c.972C>A on transcript NM_015662.3 (MANE Select); coding-DNA position 972, C replaced by A.
Protein change: p.Asn324Lys; replaces asparagine 324 with lysine.
Molecular consequence: missense variant.
Genome position (GRCh38, 1-based): chr2:27,479,542, G>T on the plus strand (C>A on the coding strand, the complement: IFT172 is on the minus strand). VCF-style: chr2-27479542-G-T. GRCh37 (hg19) VCF-style: chr2-27702409-G-T.
Other names: short protein forms N324K.
Identifiers: ClinVar variation 999065 (VCV000999065.7), dbSNP rs370874046, ClinGen allele CA346396244.
Genomic context (GRCh38, chr2:27,479,542, plus strand): 5'-AGTGCAGTAGGCTACCATCCTGCTTACCTGGCTAGGTCCCACATACGTCAACTCAAACTT[G>T]TTCTTGTAAATACTCCTTCGGAGGCAGCAGTCAAACTGTTCCACCCCACCACATAGTGTG-3'
Protein context (NP_056477.1, residues 314-334): DCCLRRSIYK[Asn324Lys]KFELTYVGPS

ClinVar aggregate classification (germline): Uncertain significance (1 of 4 stars; one submission).

Conditions:
Retinitis pigmentosa 71 (RP71). Identifiers: Orphanet 791, MedGen C4225342, MONDO:0014618, OMIM 616394.
Short-rib thoracic dysplasia 10 with or without polydactyly (SRTD10). Identifiers: Orphanet 474, MedGen C3810175, MONDO:0014284, OMIM 615630.

gnomAD v4.1: 3 of 1,613,056 alleles (0.00019%); highest among the groups gnomAD compares: East Asian, 0.0045%; no homozygotes.

Submission:

Labcorp Genetics (formerly Invitae), Labcorp
Classification: Uncertain significance for Retinitis pigmentosa 71; Short-rib thoracic dysplasia 10 with or without polydactyly. Last evaluated: 2022-09-13. Review status: criteria provided, single submitter. Criteria: Invitae Variant Classification Sherloc (09022015). Collection method: clinical testing. Allele origin: germline.
Comment: This sequence change replaces asparagine, which is neutral and polar, with lysine, which is basic and polar, at codon 324 of the IFT172 protein (p.Asn324Lys). This variant is present in population databases (no rsID available, gnomAD 0.006%). This variant has not been reported in the literature in individuals affected with IFT172-related conditions. ClinVar contains an entry for this variant (Variation ID: 999065). Advanced modeling of protein sequence and biophysical properties (such as structural, functional, and spatial information, amino acid conservation, physicochemical variation, residue mobility, and thermodynamic stability) performed at Invitae indicates that this missense variant is not expected to disrupt IFT172 protein function. In summary, the available evidence is currently insufficient to determine the role of this variant in disease. Therefore, it has been classified as a Variant of Uncertain Significance.